The following is an entry in ClinVar:

ClinVar aggregate classification (germline): Pathogenic (1 of 4 stars; one submission).

Submission:

GeneDx
Classification: Pathogenic. Last evaluated: 2023-04-12. Review status: criteria provided, single submitter. Criteria: GeneDx Variant Classification Process June 2021. Collection method: clinical testing. Allele origin: germline. Affected: yes.
Comment: Nonsense variant predicted to result in protein truncation, as the last 167 amino acids are lost, and other loss-of-function variants have been reported downstream at GeneDx; Not observed in large population cohorts (gnomAD); Has not been previously published as pathogenic or benign to our knowledge

NM_020791.4(TAOK1):c.2503G>T (p.Glu835Ter)

Gene: TAOK1 (TAO kinase 1; plus strand). Cytogenetic location: 17q11.2.
Variant type: single nucleotide variant.
Coding change: c.2503G>T on transcript NM_020791.4 (MANE Select); coding-DNA position 2503, G replaced by T.
Protein change: p.Glu835Ter; replaces glutamic acid 835 with a stop codon.
Molecular consequence: nonsense.
Genome position (GRCh38, 1-based): chr17:29,534,259, G>T. VCF-style: chr17-29534259-G-T. GRCh37 (hg19) VCF-style: chr17-27861277-G-T.
Other names: c.2059G>T, p.Glu687Ter (NM_025142.1); short protein forms E687*, E835*.
Identifiers: ClinVar variation 1309471 (VCV001309471.3), dbSNP rs2150774822, ClinGen allele CA398917377.